The following is an entry in ClinVar:

NM_000245.4(MET):c.2636A>G (p.Asn879Ser)

Gene: MET (MET proto-oncogene, receptor tyrosine kinase; plus strand). Cytogenetic location: 7q31.2.
Variant type: single nucleotide variant.
Coding change: c.2636A>G on transcript NM_000245.4 (MANE Select); coding-DNA position 2636, A replaced by G.
Protein change: p.Asn879Ser; replaces asparagine 879 with serine.
Molecular consequence: missense variant.
Genome position (GRCh38, 1-based): chr7:116,769,697, A>G. VCF-style: chr7-116769697-A-G. GRCh37 (hg19) VCF-style: chr7-116409751-A-G.
Other names: c.2690A>G, p.Asn897Ser (NM_001127500.3); c.2636A>G, p.Asn879Ser (NM_001324401.3); c.1346A>G, p.Asn449Ser (NM_001324402.2); short protein forms N449S, N897S, N879S.
Identifiers: ClinVar variation 3395201 (VCV003395201.1).
Genomic context (GRCh38, chr7:116,769,697, plus strand): 5'-CCTTTCAGGGAAATGATATTGACCCTGAAGCAGTTAAAGGTGAAGTGTTAAAAGTTGGAA[A>G]TAAGAGCTGTGAGAATATACACTTACATTCTGAAGCCGTTTTATGCACGGTCCCCAATGA-3'
Protein context (NP_000236.2, residues 869-889): AVKGEVLKVG[Asn879Ser]KSCENIHLHS

ClinVar aggregate classification (germline): Uncertain significance (1 of 4 stars; one submission).

Conditions:
Hereditary cancer-predisposing syndrome. Also called: Hereditary Cancer Syndrome; Tumor predisposition; Hereditary neoplastic syndrome; Neoplastic Syndromes, Hereditary. Identifiers: Orphanet 140162, MedGen C0027672, MeSH D009386, MONDO:0015356.

Submission:

Ambry Genetics
Classification: Uncertain significance for Hereditary cancer-predisposing syndrome. Last evaluated: 2024-11-17. Review status: criteria provided, single submitter. Criteria: Ambry Variant Classification Scheme 2023. Collection method: clinical testing. Allele origin: germline.
Comment: The p.N897S variant (also known as c.2690A>G), located in coding exon 11 of the MET gene, results from an A to G substitution at nucleotide position 2690. The asparagine at codon 897 is replaced by serine, an amino acid with highly similar properties. This amino acid position is conserved. In addition, this alteration is predicted to be tolerated by in silico analysis. Based on the available evidence, the clinical significance of this variant remains unclear.